The following is an entry in ClinVar:

NM_000548.5(TSC2):c.3792T>C (p.Pro1264=)

Gene: TSC2 (TSC complex subunit 2; plus strand). Cytogenetic location: 16p13.3.
Variant type: single nucleotide variant.
Coding change: c.3792T>C on transcript NM_000548.5 (MANE Select); coding-DNA position 3792, T replaced by C.
Protein change: p.Pro1264=; no amino-acid change (proline 1264 retained).
Molecular consequence: synonymous variant.
Genome position (GRCh38, 1-based): chr16:2,081,776, T>C. VCF-style: chr16-2081776-T-C. GRCh37 (hg19) VCF-style: chr16-2131777-T-C.
Other names: c.3660T>C, p.Pro1220= (NM_001077183.3, NM_001370404.1); c.3792T>C, p.Pro1264= (NM_001114382.3); c.3552T>C, p.Pro1184= (NM_001318827.2); c.3516T>C, p.Pro1172= (NM_001318829.2); c.3060T>C, p.Pro1020= (NM_001318831.2); c.3693T>C, p.Pro1231= (NM_001318832.2); c.3663T>C, p.Pro1221= (NM_001363528.2, NM_001370405.1, NM_021055.3).
Identifiers: ClinVar variation 413626 (VCV000413626.14), dbSNP rs763855971, ClinGen allele CA048451.

ClinVar aggregate classification (germline): Benign/Likely benign. Review status: criteria provided, multiple submitters, no conflicts (2 of 4 stars). 3 submissions from 3 submitters: Benign (1); Likely benign (2). Last evaluated 2025-05-30.

Conditions:
Hereditary cancer-predisposing syndrome. Also called: Tumor predisposition; Neoplastic Syndromes, Hereditary; Hereditary Cancer Syndrome; Hereditary neoplastic syndrome. Identifiers: Orphanet 140162, MedGen C0027672, MeSH D009386, MONDO:0015356.
Tuberous sclerosis 2 (TSC2). Identifiers: Orphanet 805, MedGen C1860707, MONDO:0013199, OMIM 613254.

Allele frequency attached by ClinVar (database versions not stated): gnomAD exomes below 0.00001; ExAC 0.00002.
gnomAD v4.1: 1 of 1,612,414 alleles (0.000062%); no homozygotes.

Submissions (3):

Myriad Genetics, Inc.
Classification: Benign for Tuberous sclerosis 2. Last evaluated: 2025-05-30. Review status: criteria provided, single submitter. Criteria: Myriad Autosomal Dominant, Autosomal Recessive and X-Linked Classification Criteria (2023). Collection method: clinical testing. Allele origin: unknown.
Comment: This variant is considered benign. This variant is a silent/synonymous amino acid change and it is not expected to impact splicing.

Labcorp Genetics (formerly Invitae), Labcorp
Classification: Likely benign for Tuberous sclerosis 2. Last evaluated: 2024-11-03. Review status: criteria provided, single submitter. Criteria: Invitae Variant Classification Sherloc (09022015). Collection method: clinical testing. Allele origin: germline.

Ambry Genetics
Classification: Likely benign for Hereditary cancer-predisposing syndrome. Last evaluated: 2019-05-26. Review status: criteria provided, single submitter. Criteria: Ambry Variant Classification Scheme 2023. Collection method: clinical testing. Allele origin: germline.